The following is an entry in ClinVar:

NM_001042492.3(NF1):c.770C>T (p.Ala257Val)

Gene: NF1 (neurofibromin 1; plus strand). Cytogenetic location: 17q11.2.
Variant type: single nucleotide variant.
Coding change: c.770C>T on transcript NM_001042492.3 (MANE Select); coding-DNA position 770, C replaced by T.
Protein change: p.Ala257Val; replaces alanine 257 with valine.
Molecular consequence: missense variant.
Genome position (GRCh38, 1-based): chr17:31,182,547, C>T. VCF-style: chr17-31182547-C-T. GRCh37 (hg19) VCF-style: chr17-29509565-C-T.
Other names: c.770C>T, p.Ala257Val (NM_000267.4, NM_001128147.3); short protein forms A257V.
Identifiers: ClinVar variation 1393788 (VCV001393788.10), dbSNP rs2143785365, ClinGen allele CA398990742.
Genomic context (GRCh38, chr17:31,182,547, plus strand): 5'-TTTAATATATTTTTCATGCAGAATGTGCAGAAAAGCTATTTGACTTGGTGGATGGTTTTG[C>T]TGAAAGCACCAAACGTAAAGCAGCAGTTTGGCCACTACAAATCATTCTCCTTATCTTGTG-3'
Protein context (NP_001035957.1, residues 247-267): EKLFDLVDGF[Ala257Val]ESTKRKAAVW

ClinVar aggregate classification (germline): Uncertain significance. Review status: criteria provided, multiple submitters, no conflicts (2 of 4 stars). 3 submissions from 3 submitters: Uncertain significance (3). Last evaluated 2025-11-24.

Conditions:
Cardiovascular phenotype. Identifiers: MedGen CN230736.
Hereditary cancer-predisposing syndrome. Also called: Hereditary neoplastic syndrome; Neoplastic Syndromes, Hereditary; Hereditary Cancer Syndrome; Tumor predisposition. Identifiers: Orphanet 140162, MedGen C0027672, MeSH D009386, MONDO:0015356.
Neurofibromatosis, type 1 (NF1). Also called: VON RECKLINGHAUSEN DISEASE; Neurofibromatosis, type I; NEUROFIBROMATOSIS, TYPE I, SOMATIC; Peripheral type neurofibromatosis. Identifiers: Orphanet 636, MedGen C0027831, MONDO:0018975, OMIM 162200. Disease mechanism: loss of function.

Submissions (3):

Ambry Genetics
Classification: Uncertain significance for Cardiovascular phenotype; Hereditary cancer-predisposing syndrome. Last evaluated: 2025-11-24. Review status: criteria provided, single submitter. Criteria: Ambry Variant Classification Scheme 2023. Collection method: clinical testing. Allele origin: germline.
Comment: The p.A257V variant (also known as c.770C>T), located in coding exon 8 of the NF1 gene, results from a C to T substitution at nucleotide position 770. The alanine at codon 257 is replaced by valine, an amino acid with similar properties. This amino acid position is highly conserved in available vertebrate species. In addition, this alteration is predicted to be deleterious by in silico analysis. Based on the available evidence, the clinical significance of this variant remains unclear.

GeneDx
Classification: Uncertain significance. Last evaluated: 2024-09-03. Review status: criteria provided, single submitter. Criteria: GeneDx Variant Classification Process June 2021. Collection method: clinical testing. Allele origin: germline. Affected: yes.
Comment: Not observed at significant frequency in large population cohorts (gnomAD); In silico analysis supports that this missense variant has a deleterious effect on protein structure/function; Has not been previously published as pathogenic or benign to our knowledge

Labcorp Genetics (formerly Invitae), Labcorp
Classification: Uncertain significance for Neurofibromatosis, type 1. Last evaluated: 2021-09-10. Review status: criteria provided, single submitter. Criteria: Invitae Variant Classification Sherloc (09022015). Collection method: clinical testing. Allele origin: germline.
Comment: In summary, the available evidence is currently insufficient to determine the role of this variant in disease. Therefore, it has been classified as a Variant of Uncertain Significance. Advanced modeling of protein sequence and biophysical properties (such as structural, functional, and spatial information, amino acid conservation, physicochemical variation, residue mobility, and thermodynamic stability) performed at Invitae indicates that this missense variant is expected to disrupt NF1 protein function. This variant has not been reported in the literature in individuals affected with NF1-related conditions. This variant is not present in population databases (ExAC no frequency). This sequence change replaces alanine with valine at codon 257 of the NF1 protein (p.Ala257Val). The alanine residue is moderately conserved and there is a small physicochemical difference between alanine and valine.